The following is an entry in ClinVar:

NM_000548.5(TSC2):c.2525C>G (p.Pro842Arg)

Gene: TSC2 (TSC complex subunit 2; plus strand). Cytogenetic location: 16p13.3.
Variant type: single nucleotide variant.
Coding change: c.2525C>G on transcript NM_000548.5 (MANE Select); coding-DNA position 2525, C replaced by G.
Protein change: p.Pro842Arg; replaces proline 842 with arginine.
Molecular consequence: missense variant. On other transcripts: non-coding transcript variant (5).
Genome position (GRCh38, 1-based): chr16:2,074,369, C>G. VCF-style: chr16-2074369-C-G. GRCh37 (hg19) VCF-style: chr16-2124370-C-G.
Other names: c.2525C>G, p.Pro842Arg (NM_001077183.3, NM_001114382.3, NM_001363528.2 and 6 more transcripts); c.2414C>G, p.Pro805Arg (NM_001318827.2, NM_001406670.1, NM_001406678.1); c.2378C>G, p.Pro793Arg (NM_001318829.2, NM_001406675.1, NM_001406676.1 and 1 more transcripts); c.1925C>G, p.Pro642Arg (NM_001318831.2, NM_001406683.1, NM_001406684.1 and 6 more transcripts); c.2558C>G, p.Pro853Arg (NM_001318832.2); c.2615C>G, p.Pro872Arg (NM_001406667.1, NM_001406668.1); c.1181C>G, p.Pro394Arg (NM_001406689.1, NM_001406690.1, NM_001406691.1 and 6 more transcripts); c.923C>G, p.Pro308Arg (NM_001406698.1); and 3 more; short protein forms P688R, P853R, P308R, P805R, P823R, P394R, P842R, P872R.
Identifiers: ClinVar variation 2762234 (VCV002762234.5), dbSNP rs2151355682, ClinGen allele CA394277945.

ClinVar aggregate classification (germline): Uncertain significance. Review status: criteria provided, multiple submitters, no conflicts (2 of 4 stars). 2 submissions from 2 submitters: Uncertain significance (2). Last evaluated 2026-07-09.

Conditions:
Tuberous sclerosis 2 (TSC2). Identifiers: Orphanet 805, MedGen C1860707, MONDO:0013199, OMIM 613254.
Hereditary cancer-predisposing syndrome. Also called: Hereditary Cancer Syndrome; Hereditary neoplastic syndrome; Neoplastic Syndromes, Hereditary; Tumor predisposition. Identifiers: Orphanet 140162, MedGen C0027672, MeSH D009386, MONDO:0015356.

Submissions (2):

Ambry Genetics
Classification: Uncertain significance for Hereditary cancer-predisposing syndrome. Last evaluated: 2026-07-09. Review status: criteria provided, single submitter. Criteria: Ambry Variant Classification Scheme 2023. Collection method: clinical testing. Allele origin: germline.
Comment: The p.P842R variant (also known as c.2525C>G), located in coding exon 21 of the TSC2 gene, results from a C to G substitution at nucleotide position 2525. The proline at codon 842 is replaced by arginine, an amino acid with dissimilar properties. This amino acid position is conserved. In addition, this alteration is predicted to be deleterious by in silico analysis. Based on the available evidence, the clinical significance of this variant remains unclear.

Labcorp Genetics (formerly Invitae), Labcorp
Classification: Uncertain significance for Tuberous sclerosis 2. Last evaluated: 2026-01-14. Review status: criteria provided, single submitter. Criteria: Invitae Variant Classification Sherloc (09022015). Collection method: clinical testing. Allele origin: germline.
Comment: This sequence change replaces proline, which is neutral and non-polar, with arginine, which is basic and polar, at codon 842 of the TSC2 protein (p.Pro842Arg). This variant is not present in population databases (gnomAD no frequency). This variant has not been reported in the literature in individuals affected with TSC2-related conditions. ClinVar contains an entry for this variant (Variation ID: 2762234). Invitae Evidence Modeling of protein sequence and biophysical properties (such as structural, functional, and spatial information, amino acid conservation, physicochemical variation, residue mobility, and thermodynamic stability) has been performed for this missense variant. However, the output from this modeling did not meet the statistical confidence thresholds required to predict the impact of this variant on TSC2 protein function. In summary, the available evidence is currently insufficient to determine the role of this variant in disease. Therefore, it has been classified as a Variant of Uncertain Significance.